The following is an entry in ClinVar:

NM_004700.4(KCNQ4):c.1005C>T (p.Phe335=)

Gene: KCNQ4 (potassium voltage-gated channel subfamily Q member 4; plus strand). Cytogenetic location: 1p34.2.
Variant type: single nucleotide variant.
Coding change: c.1005C>T on transcript NM_004700.4 (MANE Select); coding-DNA position 1005, C replaced by T.
Protein change: p.Phe335=; no amino-acid change (phenylalanine 335 retained).
Molecular consequence: synonymous variant.
Genome position (GRCh38, 1-based): chr1:40,820,224, C>T. VCF-style: chr1-40820224-C-T. GRCh37 (hg19) VCF-style: chr1-41285896-C-T.
Other names: c.1005C>T, p.Phe335= (NM_172163.3).
Identifiers: ClinVar variation 3708872 (VCV003708872.15).

ClinVar aggregate classification (germline): Likely benign. Review status: criteria provided, multiple submitters, no conflicts (2 of 4 stars). 2 submissions from 2 submitters: Likely benign (2). Last evaluated 2025-12-08.

gnomAD v4.1: 44 of 1,610,182 alleles (0.0027%); highest among the groups gnomAD compares: South Asian, 0.0033%; no homozygotes.

Submissions (2):

Labcorp Genetics (formerly Invitae), Labcorp
Classification: Likely benign. Last evaluated: 2025-12-08. Review status: criteria provided, single submitter. Criteria: Invitae Variant Classification Sherloc (09022015). Collection method: clinical testing. Allele origin: germline.

CeGaT Center for Human Genetics Tuebingen
Classification: Likely benign. Last evaluated: 2024-12-01. Review status: criteria provided, single submitter. Criteria: CeGaT Center For Human Genetics Tuebingen Variant Classification Criteria Version 2. Collection method: clinical testing. Allele origin: germline. Affected: yes. Observed: 1 variant allele.
Comment: KCNQ4: BP4, BP7